The following is an entry in ClinVar:

NM_001999.4(FBN2):c.3584G>C (p.Arg1195Pro)

Gene: FBN2 (fibrillin 2; minus strand). Cytogenetic location: 5q23.3.
Variant type: single nucleotide variant.
Coding change: c.3584G>C on transcript NM_001999.4 (MANE Select); coding-DNA position 3584, G replaced by C.
Protein change: p.Arg1195Pro; replaces arginine 1195 with proline.
Molecular consequence: missense variant.
Genome position (GRCh38, 1-based): chr5:128,338,011, C>G on the plus strand (G>C on the coding strand, the complement: FBN2 is on the minus strand). VCF-style: chr5-128338011-C-G. GRCh37 (hg19) VCF-style: chr5-127673703-C-G.
Other names: short protein forms R1195P.
Identifiers: ClinVar variation 2731286 (VCV002731286.3), dbSNP rs751600209, ClinGen allele CA360759161.
Genomic context (GRCh38, chr5:128,338,011, plus strand): 5'-TACCAGTTGTGCTGGGCAGGTTTATGTGCTGAGGAGATAAACTCACCCACACAGTCCTCA[C>G]GGGATGGTGACAGCTCGTGTCCCAGTGGGCAGTCACACTGAAAGCTGCCCTCAGTGTTCA-3'
Protein context (NP_001990.2, residues 1185-1205): CPLGHELSPS[Arg1195Pro]EDCVDINECS

ClinVar aggregate classification (germline): Uncertain significance (1 of 4 stars; one submission).

Conditions:
Congenital contractural arachnodactyly (CCA). Also called: Beals-Hecht syndrome; BEALS SYNDROME; Arthrogryposis, distal, type 9. Identifiers: Orphanet 115, MedGen C0220668, MONDO:0007363, OMIM 121050.

Submission:

Labcorp Genetics (formerly Invitae), Labcorp
Classification: Uncertain significance for Congenital contractural arachnodactyly. Last evaluated: 2023-06-27. Review status: criteria provided, single submitter. Criteria: Invitae Variant Classification Sherloc (09022015). Collection method: clinical testing. Allele origin: germline.
Comment: This sequence change replaces arginine, which is basic and polar, with proline, which is neutral and non-polar, at codon 1195 of the FBN2 protein (p.Arg1195Pro). This variant is not present in population databases (gnomAD no frequency). This variant has not been reported in the literature in individuals affected with FBN2-related conditions. Advanced modeling of protein sequence and biophysical properties (such as structural, functional, and spatial information, amino acid conservation, physicochemical variation, residue mobility, and thermodynamic stability) has been performed at Invitae for this missense variant, however the output from this modeling did not meet the statistical confidence thresholds required to predict the impact of this variant on FBN2 protein function. In summary, the available evidence is currently insufficient to determine the role of this variant in disease. Therefore, it has been classified as a Variant of Uncertain Significance.